The following is an entry in ClinVar:

NM_001611.5(ACP5):c.500T>C (p.Phe167Ser)

Gene: ACP5 (acid phosphatase 5, tartrate resistant; minus strand). Cytogenetic location: 19p13.2.
Variant type: single nucleotide variant.
Coding change: c.500T>C on transcript NM_001611.5 (MANE Select); coding-DNA position 500, T replaced by C.
Protein change: p.Phe167Ser; replaces phenylalanine 167 with serine.
Molecular consequence: missense variant.
Genome position (GRCh38, 1-based): chr19:11,576,478, A>G on the plus strand (T>C on the coding strand, the complement: ACP5 is on the minus strand). VCF-style: chr19-11576478-A-G. GRCh37 (hg19) VCF-style: chr19-11687293-A-G.
Other names: c.500T>C, p.Phe167Ser (NM_001111034.3, NM_001111035.3, NM_001111036.3 and 1 more transcripts); short protein forms F167S.
Identifiers: ClinVar variation 1349238 (VCV001349238.5), dbSNP rs764197394, ClinGen allele CA404146858.

ClinVar aggregate classification (germline): Uncertain significance (1 of 4 stars; one submission).

Conditions:
Spondyloenchondrodysplasia with immune dysregulation (SPENCDI). Also called: COMBINED IMMUNODEFICIENCY WITH AUTOIMMUNITY AND SPONDYLOMETAPHYSEAL DYSPLASIA; ROIFMAN IMMUNOSKELETAL SYNDROME; SPONDYLOENCHONDRODYSPLASIA WITH OR WITHOUT IMMUNE DYSREGULATION. Identifiers: Orphanet 1855, MedGen C1842763, MONDO:0011939, OMIM 607944.

Submission:

Labcorp Genetics (formerly Invitae), Labcorp
Classification: Uncertain significance for Spondyloenchondrodysplasia with immune dysregulation. Last evaluated: 2020-11-18. Review status: criteria provided, single submitter. Criteria: Invitae Variant Classification Sherloc (09022015). Collection method: clinical testing. Allele origin: germline.
Comment: Algorithms developed to predict the effect of missense changes on protein structure and function are either unavailable or do not agree on the potential impact of this missense change (SIFT: "Not Available"; PolyPhen-2: "Probably Damaging"; Align-GVGD: "Not Available"). In summary, the available evidence is currently insufficient to determine the role of this variant in disease. Therefore, it has been classified as a Variant of Uncertain Significance. This variant has not been reported in the literature in individuals with ACP5-related conditions. This sequence change replaces phenylalanine with serine at codon 167 of the ACP5 protein (p.Phe167Ser). The phenylalanine residue is highly conserved and there is a large physicochemical difference between phenylalanine and serine. This variant is not present in population databases (ExAC no frequency).